The following is an entry in ClinVar:

ClinVar aggregate classification (germline): Uncertain significance (1 of 4 stars; one submission).

Conditions:
TP63-Related Spectrum Disorders.

Submission:

Labcorp Genetics (formerly Invitae), Labcorp
Classification: Uncertain significance. Last evaluated: 2022-11-09. Review status: criteria provided, single submitter. Criteria: Invitae Variant Classification Sherloc (09022015). Collection method: clinical testing. Allele origin: germline.
Comment: In summary, the available evidence is currently insufficient to determine the role of this variant in disease. Therefore, it has been classified as a Variant of Uncertain Significance. Advanced modeling of protein sequence and biophysical properties (such as structural, functional, and spatial information, amino acid conservation, physicochemical variation, residue mobility, and thermodynamic stability) has been performed at Invitae for this missense variant, however the output from this modeling did not meet the statistical confidence thresholds required to predict the impact of this variant on TP63 protein function. This sequence change replaces glutamine, which is neutral and polar, with histidine, which is basic and polar, at codon 122 of the TP63 protein (p.Gln122His). This variant is not present in population databases (gnomAD no frequency). This variant has not been reported in the literature in individuals affected with TP63-related conditions.

NM_003722.5(TP63):c.366G>T (p.Gln122His)

Gene: TP63 (tumor protein p63; plus strand). Cytogenetic location: 3q28.
Variant type: single nucleotide variant.
Coding change: c.366G>T on transcript NM_003722.5 (MANE Select); coding-DNA position 366, G replaced by T.
Protein change: p.Gln122His; replaces glutamine 122 with histidine.
Molecular consequence: missense variant. On other transcripts: intron variant (2).
Genome position (GRCh38, 1-based): chr3:189,808,313, G>T. VCF-style: chr3-189808313-G-T. GRCh37 (hg19) VCF-style: chr3-189526102-G-T.
Other names: c.366G>T, p.Gln122His (NM_001329144.2, NM_001329148.2, NM_001114978.2 and 1 more transcripts); c.84G>T, p.Gln28His (NM_001329145.2, NM_001329149.2, NM_001114980.2 and 2 more transcripts); c.360G>T, p.Gln120His (NM_001329964.2); c.42+18471G>T (NM_001329146.2, NM_001329150.2); short protein forms Q120H, Q122H, Q28H.
Identifiers: ClinVar variation 2835808 (VCV002835808.2), dbSNP rs201774402, ClinGen allele CA355750407.